The following is an entry in ClinVar:

ClinVar aggregate classification (germline): Conflicting classifications of pathogenicity. Review status: criteria provided, conflicting classifications (1 of 4 stars). 2 submissions from 2 submitters: Uncertain significance (1); Likely benign (1). Last evaluated 2025-07-04.

Conditions:
Inborn genetic diseases. Identifiers: MedGen C0950123, MeSH D030342.
Short-rib thoracic dysplasia 8 with or without polydactyly (SRTD8). Also called: SHORT-RIB THORACIC DYSPLASIA 8 WITH POLYDACTYLY. Identifiers: Orphanet 93271, MedGen C3809691, MONDO:0014214, OMIM 615503.

Allele frequency attached by ClinVar (database versions not stated): TOPMed 0.00004; gnomAD 0.00005.
gnomAD v4.1: 56 of 1,613,494 alleles (0.0035%); highest among the groups gnomAD compares: Admixed American, 0.0083%; no homozygotes.

Submissions (2):

Labcorp Genetics (formerly Invitae), Labcorp
Classification: Uncertain significance for Short-rib thoracic dysplasia 8 with or without polydactyly. Last evaluated: 2025-07-04. Review status: criteria provided, single submitter. Criteria: Invitae Variant Classification Sherloc (09022015). Collection method: clinical testing. Allele origin: germline.
Comment: This sequence change replaces threonine, which is neutral and polar, with alanine, which is neutral and non-polar, at codon 773 of the WDR60 protein (p.Thr773Ala). This variant is present in population databases (rs770249657, gnomAD 0.01%). This variant has not been reported in the literature in individuals affected with WDR60-related conditions. ClinVar contains an entry for this variant (Variation ID: 1680710). An algorithm developed to predict the effect of missense changes on protein structure and function outputs the following: PolyPhen-2: "Benign". The alanine amino acid residue is found in multiple mammalian species, which suggests that this missense change does not adversely affect protein function. In summary, the available evidence is currently insufficient to determine the role of this variant in disease. Therefore, it has been classified as a Variant of Uncertain Significance.

Ambry Genetics
Classification: Likely benign for Inborn genetic diseases. Last evaluated: 2025-02-20. Review status: criteria provided, single submitter. Criteria: Ambry Variant Classification Scheme 2023. Collection method: clinical testing. Allele origin: germline.

NM_018051.5(DYNC2I1):c.2317A>G (p.Thr773Ala)

Gene: DYNC2I1 (dynein 2 intermediate chain 1; plus strand). Cytogenetic location: 7q36.3.
Variant type: single nucleotide variant.
Coding change: c.2317A>G on transcript NM_018051.5 (MANE Select); coding-DNA position 2317, A replaced by G.
Protein change: p.Thr773Ala; replaces threonine 773 with alanine.
Molecular consequence: missense variant.
Genome position (GRCh38, 1-based): chr7:158,926,246, A>G. VCF-style: chr7-158926246-A-G. GRCh37 (hg19) VCF-style: chr7-158718937-A-G.
Other names: c.2179A>G, p.Thr727Ala (NM_001350914.2); c.1744A>G, p.Thr582Ala (NM_001350915.2); c.856A>G, p.Thr286Ala (NM_001350916.2); c.1069A>G, p.Thr357Ala (NM_001350917.2, NM_001350918.2); c.2317A>G (NM_018051.4); short protein forms T286A, T357A, T582A, T727A, T773A.
Identifiers: ClinVar variation 1680710 (VCV001680710.9), dbSNP rs770249657, ClinGen allele CA4594939.